The following is an entry in ClinVar:

ClinVar aggregate classification (germline): Likely pathogenic (1 of 4 stars; one submission).

Conditions:
Dilated cardiomyopathy 1G (CMD1G). Identifiers: Orphanet 154, MedGen C1858763, MONDO:0011400, OMIM 604145.
Autosomal recessive limb-girdle muscular dystrophy type 2J (LGMDR10). Also called: Limb-girdle muscular dystrophy, type 2J; MUSCULAR DYSTROPHY, LIMB-GIRDLE, AUTOSOMAL RECESSIVE 10. Identifiers: Orphanet 140922, MedGen C1837342, MONDO:0012127, OMIM 608807.

Submission:

Labcorp Genetics (formerly Invitae), Labcorp
Classification: Likely pathogenic for Dilated cardiomyopathy 1G; Autosomal recessive limb-girdle muscular dystrophy type 2J. Last evaluated: 2023-12-06. Review status: criteria provided, single submitter. Criteria: Invitae Variant Classification Sherloc (09022015). Collection method: clinical testing. Allele origin: germline.
Comment: This sequence change creates a premature translational stop signal (p.Gln34589*) in the TTN gene. While this is not anticipated to result in nonsense mediated decay, it is expected to create a truncated TTN protein. This variant is not present in population databases (gnomAD no frequency). This premature translational stop signal has been observed in individual(s) with dilated cardiomyopathy (Invitae). ClinVar contains an entry for this variant (Variation ID: 934391). This variant is located in the M band of TTN (PMID: 25589632). Truncating variants in this region have been previously reported in individuals affected with autosomal recessive myopathy and muscular dystrophy (PMID: 18948003, 23975875, 24395473). Truncating variants in this region have also been identified in individuals affected with autosomal dominant dilated cardiomyopathy and/or cardio-related conditions (PMID: 27869827, 32964742). In summary, the currently available evidence indicates that the variant is pathogenic, but additional data are needed to prove that conclusively. Therefore, this variant has been classified as Likely Pathogenic.

Literature cited by the submitters: PubMed 25589632; PubMed 18948003; PubMed 23975875; PubMed 24395473; PubMed 27869827; PubMed 32964742.

NM_001267550.2(TTN):c.103765C>T (p.Gln34589Ter)

Genes: TTN (titin; minus strand), TTN-AS1 (TTN antisense RNA 1; plus strand). Cytogenetic location: 2q31.2.
Variant type: single nucleotide variant.
Coding change: c.103765C>T on transcript NM_001267550.2 (MANE Select); coding-DNA position 103765, C replaced by T.
Protein change: p.Gln34589Ter; replaces glutamine 34589 with a stop codon.
Molecular consequence: nonsense.
Genome position (GRCh38, 1-based): chr2:178,532,850, G>A on the plus strand (C>T on the coding strand, the complement: TTN is on the minus strand). VCF-style: chr2-178532850-G-A. GRCh37 (hg19) VCF-style: chr2-179397577-G-A.
Other names: c.98842C>T, p.Gln32948Ter (NM_001256850.1); c.76570C>T, p.Gln25524Ter (NM_003319.4); c.96061C>T, p.Gln32021Ter (NM_133378.4); c.76945C>T, p.Gln25649Ter (NM_133432.3); c.77146C>T, p.Gln25716Ter (NM_133437.4); short protein forms Q34589*, Q25524*, Q25649*, Q25716*, Q32021*, Q32948*.
Identifiers: ClinVar variation 934391 (VCV000934391.10), dbSNP rs749082693, ClinGen allele CA349413554.